The following is an entry in ClinVar:

NM_001370466.1(NOD2):c.2387G>A (p.Arg796His)

Gene: NOD2 (nucleotide binding oligomerization domain containing 2; plus strand). Cytogenetic location: 16q12.1.
Variant type: single nucleotide variant.
Coding change: c.2387G>A on transcript NM_001370466.1 (MANE Select); coding-DNA position 2387, G replaced by A.
Protein change: p.Arg796His; replaces arginine 796 with histidine.
Molecular consequence: missense variant. On other transcripts: non-coding transcript variant (1).
Genome position (GRCh38, 1-based): chr16:50,716,592, G>A. VCF-style: chr16-50716592-G-A. GRCh37 (hg19) VCF-style: chr16-50750503-G-A.
Other names: c.2387G>A, p.Arg796His (NM_001293557.2); c.2468G>A, p.Arg823His (NM_022162.3); short protein forms R796H, R823H.
Identifiers: ClinVar variation 1694109 (VCV001694109.10), dbSNP rs768930237, ClinGen allele CA8051792.
Genomic context (GRCh38, chr16:50,716,592, plus strand): 5'-TTTTTTTCTTGTCTTACTAGCTCCATTTTCAAATGTATTTATTTTGTCTCTTTAGTTTGC[G>A]CGATAACAATATCTCAGACCGAGGCATCTGCAAGCTCATTGAATGTGCTCTTCACTGCGA-3'
Protein context (NP_001357395.1, residues 786-806): CLGVCKALYL[Arg796His]DNNISDRGIC

ClinVar aggregate classification (germline): Uncertain significance. Review status: criteria provided, multiple submitters, no conflicts (2 of 4 stars). 3 submissions from 3 submitters: Uncertain significance (3). Last evaluated 2025-04-22.

Conditions:
Blau syndrome (BLAUS). Also called: GRANULOMATOSIS, FAMILIAL JUVENILE SYSTEMIC; GRANULOMATOSIS, FAMILIAL, BLAU TYPE; GRANULOMATOUS INFLAMMATORY ARTHRITIS, DERMATITIS, AND UVEITIS, FAMILIAL; JABS SYNDROME; ARTHROCUTANEOUVEAL GRANULOMATOSIS. Identifiers: Orphanet 90340, MedGen C5201146, MONDO:0008523, OMIM 186580.
Regional enteritis. Also called: Enteritis, Granulomatous. Identifiers: MedGen C0678202, MeSH D003424.
Autoinflammatory syndrome. Identifiers: Orphanet 93665, MedGen C3890737, MONDO:0019751.

Allele frequency attached by ClinVar (database versions not stated): ExAC 0.00001; gnomAD 0.00001; gnomAD exomes 0.00002; TOPMed 0.00003.
gnomAD v4.1: 31 of 1,613,852 alleles (0.0019%); highest among the groups gnomAD compares: Admixed American, 0.0083%; no homozygotes.

Submissions (3):

Women's Health and Genetics/Laboratory Corporation of America, LabCorp
Classification: Uncertain significance. Last evaluated: 2025-04-22. Review status: criteria provided, single submitter. Criteria: LabCorp Variant Classification Summary - May 2015. Collection method: clinical testing. Allele origin: germline.
Comment: Variant summary: NOD2 c.2468G>A (p.Arg823His) results in a non-conservative amino acid change in the encoded protein sequence. Four of five in-silico tools predict a damaging effect of the variant on protein function. The variant allele was found at a frequency of 2.4e-05 in 251308 control chromosomes. The available data on variant occurrences in the general population are insufficient to allow any conclusion about variant significance. To our knowledge, no occurrence of c.2468G>A in individuals affected with Blau syndrome and no experimental evidence demonstrating its impact on protein function have been reported. ClinVar contains an entry for this variant (Variation ID: 1694109). Based on the evidence outlined above, the variant was classified as uncertain significance.

Labcorp Genetics (formerly Invitae), Labcorp
Classification: Uncertain significance for Regional enteritis; Blau syndrome. Last evaluated: 2023-10-23. Review status: criteria provided, single submitter. Criteria: Invitae Variant Classification Sherloc (09022015). Collection method: clinical testing. Allele origin: germline.
Comment: This sequence change replaces arginine, which is basic and polar, with histidine, which is basic and polar, at codon 823 of the NOD2 protein (p.Arg823His). This variant is present in population databases (rs768930237, gnomAD 0.01%). This variant has not been reported in the literature in individuals affected with NOD2-related conditions. ClinVar contains an entry for this variant (Variation ID: 1694109). Advanced modeling of protein sequence and biophysical properties (such as structural, functional, and spatial information, amino acid conservation, physicochemical variation, residue mobility, and thermodynamic stability) performed at Invitae indicates that this missense variant is not expected to disrupt NOD2 protein function with a negative predictive value of 95%. In summary, the available evidence is currently insufficient to determine the role of this variant in disease. Therefore, it has been classified as a Variant of Uncertain Significance.

Genome Diagnostics Laboratory, The Hospital for Sick Children
Classification: Uncertain significance for Autoinflammatory syndrome. Last evaluated: 2019-06-01. Review status: criteria provided, single submitter. Criteria: ACMG Guidelines, 2015. Collection method: clinical testing. Allele origin: germline. Affected: yes.